The following is an entry in ClinVar:

NM_000245.4(MET):c.1880G>A (p.Gly627Asp)

Gene: MET (MET proto-oncogene, receptor tyrosine kinase; plus strand). Cytogenetic location: 7q31.2.
Variant type: single nucleotide variant.
Coding change: c.1880G>A on transcript NM_000245.4 (MANE Select); coding-DNA position 1880, G replaced by A.
Protein change: p.Gly627Asp; replaces glycine 627 with aspartic acid.
Molecular consequence: missense variant.
Genome position (GRCh38, 1-based): chr7:116,757,454, G>A. VCF-style: chr7-116757454-G-A. GRCh37 (hg19) VCF-style: chr7-116397508-G-A.
Other names: c.1880G>A, p.Gly627Asp (NM_001127500.3, NM_001324401.3); c.590G>A, p.Gly197Asp (NM_001324402.2); short protein forms G197D, G627D.
Identifiers: ClinVar variation 1994201 (VCV001994201.5), dbSNP rs2116919930, ClinGen allele CA368979250.

ClinVar aggregate classification (germline): Uncertain significance. Review status: criteria provided, multiple submitters, no conflicts (2 of 4 stars). 2 submissions from 2 submitters: Uncertain significance (2). Last evaluated 2023-11-10.

Conditions:
Renal cell carcinoma. Identifiers: Orphanet 217071, MedGen C0007134, MeSH D002292, MONDO:0005086, HP:0005584.
Hereditary cancer-predisposing syndrome. Also called: Tumor predisposition; Hereditary Cancer Syndrome; Hereditary neoplastic syndrome; Neoplastic Syndromes, Hereditary. Identifiers: Orphanet 140162, MedGen C0027672, MeSH D009386, MONDO:0015356.

Submissions (2):

Ambry Genetics
Classification: Uncertain significance for Hereditary cancer-predisposing syndrome. Last evaluated: 2023-11-10. Review status: criteria provided, single submitter. Criteria: Ambry Variant Classification Scheme 2023. Collection method: clinical testing. Allele origin: germline.
Comment: The p.G627D variant (also known as c.1880G>A), located in coding exon 6 of the MET gene, results from a G to A substitution at nucleotide position 1880. The glycine at codon 627 is replaced by aspartic acid, an amino acid with similar properties. This amino acid position is conserved. In addition, this alteration is predicted to be tolerated by in silico analysis. Since supporting evidence is limited at this time, the clinical significance of this alteration remains unclear.

Labcorp Genetics (formerly Invitae), Labcorp
Classification: Uncertain significance for Renal cell carcinoma. Last evaluated: 2022-08-29. Review status: criteria provided, single submitter. Criteria: Invitae Variant Classification Sherloc (09022015). Collection method: clinical testing. Allele origin: germline.
Comment: In summary, the available evidence is currently insufficient to determine the role of this variant in disease. Therefore, it has been classified as a Variant of Uncertain Significance. Algorithms developed to predict the effect of missense changes on protein structure and function are either unavailable or do not agree on the potential impact of this missense change (SIFT: "Tolerated"; PolyPhen-2: "Probably Damaging"; Align-GVGD: "Class C0"). This variant has not been reported in the literature in individuals affected with MET-related conditions. This variant is not present in population databases (gnomAD no frequency). This sequence change replaces glycine, which is neutral and non-polar, with aspartic acid, which is acidic and polar, at codon 627 of the MET protein (p.Gly627Asp).